The following is an entry in ClinVar:

ClinVar aggregate classification (germline): Uncertain significance (1 of 4 stars; one submission).

Submission:

Labcorp Genetics (formerly Invitae), Labcorp
Classification: Uncertain significance. Last evaluated: 2024-06-11. Review status: criteria provided, single submitter. Criteria: Invitae Variant Classification Sherloc (09022015). Collection method: clinical testing. Allele origin: germline.
Comment: This sequence change replaces lysine, which is basic and polar, with arginine, which is basic and polar, at codon 1050 of the POLE protein (p.Lys1050Arg). This variant is not present in population databases (gnomAD no frequency). This variant has not been reported in the literature in individuals affected with POLE-related conditions. Advanced modeling of protein sequence and biophysical properties (such as structural, functional, and spatial information, amino acid conservation, physicochemical variation, residue mobility, and thermodynamic stability) has been performed at Invitae for this missense variant, however the output from this modeling did not meet the statistical confidence thresholds required to predict the impact of this variant on POLE protein function. In summary, the available evidence is currently insufficient to determine the role of this variant in disease. Therefore, it has been classified as a Variant of Uncertain Significance.

NM_006231.4(POLE):c.3149A>G (p.Lys1050Arg)

Gene: POLE (DNA polymerase epsilon, catalytic subunit; minus strand). Cytogenetic location: 12q24.33.
Variant type: single nucleotide variant.
Coding change: c.3149A>G on transcript NM_006231.4 (MANE Select); coding-DNA position 3149, A replaced by G.
Protein change: p.Lys1050Arg; replaces lysine 1050 with arginine.
Molecular consequence: missense variant.
Genome position (GRCh38, 1-based): chr12:132,659,421, T>C on the plus strand (A>G on the coding strand, the complement: POLE is on the minus strand). VCF-style: chr12-132659421-T-C. GRCh37 (hg19) VCF-style: chr12-133236007-T-C.
Other names: short protein forms K1050R.
Identifiers: ClinVar variation 3656176 (VCV003656176.2).